The following is an entry in ClinVar:

NM_152617.4(RNF168):c.311A>G (p.Tyr104Cys)

Gene: RNF168 (ring finger protein 168; minus strand). Cytogenetic location: 3q29.
Variant type: single nucleotide variant.
Coding change: c.311A>G on transcript NM_152617.4 (MANE Select); coding-DNA position 311, A replaced by G.
Protein change: p.Tyr104Cys; replaces tyrosine 104 with cysteine.
Molecular consequence: missense variant.
Genome position (GRCh38, 1-based): chr3:196,488,674, T>C on the plus strand (A>G on the coding strand, the complement: RNF168 is on the minus strand). VCF-style: chr3-196488674-T-C. GRCh37 (hg19) VCF-style: chr3-196215545-T-C.
Other names: short protein forms Y104C.
Identifiers: ClinVar variation 2603357 (VCV002603357.3), dbSNP rs755261571, ClinGen allele CA2780980.
Genomic context (GRCh38, chr3:196,488,674, plus strand): 5'-ATTTCCTCTTCATATTCTCTTCTCAGTTCCCCAGGTTTACTGAGCAGACGAACTGGCTGA[T>C]AGTCATCAGCTATTTCATATCAAAAAAGAAAATAACATTATAGGCAACACAATTTTATGG-3'
Protein context (NP_689830.2, residues 94-114): GQESEEVADD[Tyr104Cys]QPVRLLSKPG

ClinVar aggregate classification (germline): Conflicting classifications of pathogenicity. Review status: criteria provided, conflicting classifications (1 of 4 stars). 2 submissions from 2 submitters: Uncertain significance (1); Likely benign (1). Last evaluated 2025-10-04.

Conditions:
Inborn genetic diseases. Identifiers: MedGen C0950123, MeSH D030342.

Allele frequency attached by ClinVar (database versions not stated): ExAC 0.00001.
gnomAD v4.1: 4 of 1,599,080 alleles (0.00025%); highest among the groups gnomAD compares: Middle Eastern, 0.017%; no homozygotes.

Submissions (2):

Labcorp Genetics (formerly Invitae), Labcorp
Classification: Uncertain significance. Last evaluated: 2025-10-04. Review status: criteria provided, single submitter. Criteria: Invitae Variant Classification Sherloc (09022015). Collection method: clinical testing. Allele origin: germline.
Comment: This sequence change replaces tyrosine, which is neutral and polar, with cysteine, which is neutral and slightly polar, at codon 104 of the RNF168 protein (p.Tyr104Cys). This variant is present in population databases (rs755261571, gnomAD 0.01%). This variant has not been reported in the literature in individuals affected with RNF168-related conditions. ClinVar contains an entry for this variant (Variation ID: 2603357). An algorithm developed to predict the effect of missense changes on protein structure and function outputs the following: PolyPhen-2: "Benign". The cysteine amino acid residue is found in multiple mammalian species, which suggests that this missense change does not adversely affect protein function. In summary, the available evidence is currently insufficient to determine the role of this variant in disease. Therefore, it has been classified as a Variant of Uncertain Significance.

Ambry Genetics
Classification: Likely benign for Inborn genetic diseases. Last evaluated: 2023-09-14. Review status: criteria provided, single submitter. Criteria: Ambry Variant Classification Scheme 2023. Collection method: clinical testing. Allele origin: germline.